The following is an entry in ClinVar:

ClinVar aggregate classification (germline): Uncertain significance (1 of 4 stars; one submission).

Conditions:
Mowat-Wilson syndrome (MOWS). Also called: Classic Mowat-Wilson Syndrome. Identifiers: Orphanet 2152, MedGen C1856113, MONDO:0009341, OMIM 235730.

Submission:

Labcorp Genetics (formerly Invitae), Labcorp
Classification: Uncertain significance for Mowat-Wilson syndrome. Last evaluated: 2024-04-25. Review status: criteria provided, single submitter. Criteria: Invitae Variant Classification Sherloc (09022015). Collection method: clinical testing. Allele origin: germline.
Comment: This sequence change replaces histidine, which is basic and polar, with tyrosine, which is neutral and polar, at codon 407 of the ZEB2 protein (p.His407Tyr). This variant is not present in population databases (gnomAD no frequency). This variant has not been reported in the literature in individuals affected with ZEB2-related conditions. Advanced modeling of protein sequence and biophysical properties (such as structural, functional, and spatial information, amino acid conservation, physicochemical variation, residue mobility, and thermodynamic stability) performed at Invitae indicates that this missense variant is not expected to disrupt ZEB2 protein function with a negative predictive value of 80%. In summary, the available evidence is currently insufficient to determine the role of this variant in disease. Therefore, it has been classified as a Variant of Uncertain Significance.

NM_014795.4(ZEB2):c.1219C>T (p.His407Tyr)

Gene: ZEB2 (zinc finger E-box binding homeobox 2; minus strand). Cytogenetic location: 2q22.3.
Variant type: single nucleotide variant.
Coding change: c.1219C>T on transcript NM_014795.4 (MANE Select); coding-DNA position 1219, C replaced by T.
Protein change: p.His407Tyr; replaces histidine 407 with tyrosine.
Molecular consequence: missense variant.
Genome position (GRCh38, 1-based): chr2:144,399,968, G>A on the plus strand (C>T on the coding strand, the complement: ZEB2 is on the minus strand). VCF-style: chr2-144399968-G-A. GRCh37 (hg19) VCF-style: chr2-145157535-G-A.
Other names: c.1147C>T, p.His383Tyr (NM_001171653.2); short protein forms H383Y, H407Y.
Identifiers: ClinVar variation 3664720 (VCV003664720.2).